The following is an entry in ClinVar:

NM_000051.4(ATM):c.7927+6T>G

Genes: C11orf65 (chromosome 11 open reading frame 65; minus strand), ATM (ATM serine/threonine kinase; plus strand). Cytogenetic location: 11q22.3.
Variant type: single nucleotide variant.
Coding change: c.7927+6T>G on transcript NM_000051.4 (MANE Select); 6 bases into the intron after coding-DNA position 7927, T replaced by G.
Molecular consequence: intron variant.
Genome position (GRCh38, 1-based): chr11:108,332,906, T>G. VCF-style: chr11-108332906-T-G. GRCh37 (hg19) VCF-style: chr11-108203633-T-G.
Other names: c.7927+6T>G (NM_001351834.2); c.641-23835A>C (NM_001330368.2); c.*38+2314A>C (NM_001351110.2).
Identifiers: ClinVar variation 663359 (VCV000663359.11), dbSNP rs1591179460, ClinGen allele CA915948303.

ClinVar aggregate classification (germline): Uncertain significance. Review status: criteria provided, multiple submitters, no conflicts (2 of 4 stars). 2 submissions from 2 submitters: Uncertain significance (2). Last evaluated 2025-01-26.

Conditions:
Familial cancer of breast. Also called: Hereditary breast cancer; BREAST CANCER, FAMILIAL; hereditary breast carcinoma. Identifiers: Orphanet 227535, MedGen C0346153, MONDO:0016419, OMIM 114480. Disease mechanism: loss of function.
Ataxia-telangiectasia syndrome (AT). Also called: Ataxia-telangiectasia, complementation group D; AT, COMPLEMENTATION GROUP C; ATAXIA-TELANGIECTASIA, COMPLEMENTATION GROUP A; ATAXIA-TELANGIECTASIA, FRESNO VARIANT; Ataxia-telangiectasia; LOUIS-BAR SYNDROME. Identifiers: Orphanet 100, MedGen C0004135, MONDO:0008840, OMIM 208900.

Allele frequency attached by ClinVar (database versions not stated): gnomAD exomes 0.00001.
gnomAD v4.1: 4 of 1,609,706 alleles (0.00025%); highest among the groups gnomAD compares: Non-Finnish European, 0.00034%; no homozygotes.

Submissions (2):

Labcorp Genetics (formerly Invitae), Labcorp
Classification: Uncertain significance for Ataxia-telangiectasia syndrome. Last evaluated: 2025-01-26. Review status: criteria provided, single submitter. Criteria: Invitae Variant Classification Sherloc (09022015). Collection method: clinical testing. Allele origin: germline.
Comment: This sequence change falls in intron 53 of the ATM gene. It does not directly change the encoded amino acid sequence of the ATM protein. It affects a nucleotide within the consensus splice site. This variant is not present in population databases (gnomAD no frequency). This variant has not been reported in the literature in individuals affected with ATM-related conditions. ClinVar contains an entry for this variant (Variation ID: 663359). Variants that disrupt the consensus splice site are a relatively common cause of aberrant splicing (PMID: 17576681, 9536098). Studies have shown that this variant is associated with inconclusive levels of altered splicing (internal data). In summary, the available evidence is currently insufficient to determine the role of this variant in disease. Therefore, it has been classified as a Variant of Uncertain Significance.

Baylor Genetics
Classification: Uncertain significance for Familial cancer of breast. Last evaluated: 2024-01-14. Review status: criteria provided, single submitter. Criteria: ACMG Guidelines, 2015. Collection method: clinical testing. Allele origin: unknown.

Literature cited by the submitters: PubMed 17576681 (cited by Labcorp Genetics (formerly Invitae), Labcorp); PubMed 9536098 (cited by Labcorp Genetics (formerly Invitae), Labcorp).